The following is an entry in ClinVar:

ClinVar aggregate classification (germline): Benign/Likely benign. Review status: criteria provided, multiple submitters, no conflicts (2 of 4 stars). 5 submissions from 3 submitters: Benign (3); Likely benign (2). Last evaluated 2022-10-11.

Conditions:
Pallister-Hall syndrome (PHS). Also called: HYPOTHALAMIC HAMARTOBLASTOMA, HYPOPITUITARISM, IMPERFORATE ANUS, AND POSTAXIAL POLYDACTYLY; GLI3-Related Pallister-Hall Syndrome. Identifiers: Orphanet 672, MedGen C0265220, MONDO:0007804, OMIM 146510.
Greig cephalopolysyndactyly syndrome (GCPS). Also called: POLYSYNDACTYLY WITH PECULIAR SKULL SHAPE; GLI3-Related Greig Cephalopolysyndactyly Syndrome; Greig syndrome. Identifiers: Orphanet 380, MedGen C0265306, MONDO:0008287, OMIM 175700.
Polydactyly. Also called: polydactylism. Identifiers: MedGen C0152427, MONDO:0021003, OMIM 603596, HP:0010442.

Allele frequency attached by ClinVar (database versions not stated): TOPMed below 0.00001; gnomAD 0.00001; ExAC 0.00004.

Submissions (5):

Blueprint Genetics
Classification: Likely benign. Last evaluated: 2022-10-11. Review status: criteria provided, single submitter. Criteria: ACMG Guidelines, 2015. Collection method: clinical testing. Allele origin: germline.

Labcorp Genetics (formerly Invitae), Labcorp
Classification: Likely benign for Pallister-Hall syndrome; Greig cephalopolysyndactyly syndrome. Last evaluated: 2019-12-31. Review status: criteria provided, single submitter. Criteria: Invitae Variant Classification Sherloc (09022015). Collection method: clinical testing. Allele origin: germline.

Illumina Laboratory Services, Illumina
Classification: Benign for Pallister-Hall syndrome. Last evaluated: 2018-01-12. Review status: criteria provided, single submitter. Criteria: ICSL Variant Classification Criteria 13 December 2019. Collection method: clinical testing. Allele origin: germline.
Comment: This variant was observed in the ICSL laboratory as part of a predisposition screen in an ostensibly healthy population. It had not been previously curated by ICSL or reported in the Human Gene Mutation Database (HGMD: prior to June 1st, 2018), and was therefore a candidate for classification through an automated scoring system. Utilizing variant allele frequency, disease prevalence and penetrance estimates, and inheritance mode, an automated score was calculated to assess if this variant is too frequent to cause the disease. Based on the score and internal cut-off values, a variant classified as benign is not then subjected to further curation. The score for this variant resulted in a classification of benign for this disease.

Illumina Laboratory Services, Illumina
Classification: Benign for Greig cephalopolysyndactyly syndrome. Last evaluated: 2018-01-12. Review status: criteria provided, single submitter. Criteria: ICSL Variant Classification Criteria 13 December 2019. Collection method: clinical testing. Allele origin: germline.
Comment: the same text as in the submission from Illumina Laboratory Services, Illumina above.

Illumina Laboratory Services, Illumina
Classification: Benign for Polydactyly. Last evaluated: 2018-01-12. Review status: criteria provided, single submitter. Criteria: ICSL Variant Classification Criteria 13 December 2019. Collection method: clinical testing. Allele origin: germline.
Comment: the same text as in the submission from Illumina Laboratory Services, Illumina above.

NM_000168.6(GLI3):c.99C>T (p.Ala33=)

Gene: GLI3 (GLI family zinc finger 3; minus strand). Cytogenetic location: 7p14.1.
Variant type: single nucleotide variant.
Coding change: c.99C>T on transcript NM_000168.6 (MANE Select); coding-DNA position 99, C replaced by T.
Protein change: p.Ala33=; no amino-acid change (alanine 33 retained).
Molecular consequence: synonymous variant.
Genome position (GRCh38, 1-based): chr7:42,223,155, G>A on the plus strand (C>T on the coding strand, the complement: GLI3 is on the minus strand). VCF-style: chr7-42223155-G-A. GRCh37 (hg19) VCF-style: chr7-42262754-G-A.
Identifiers: ClinVar variation 360262 (VCV000360262.10), dbSNP rs201109218, ClinGen allele CA4231334.